The following continues an entry in ClinVar:

NM_007294.4(BRCA1):c.5194-12G>A

Gene: BRCA1. ClinVar aggregate classification (germline): Pathogenic. Pathogenic (1).

Submissions 9 to 12 of 12:

Department of Pathology and Laboratory Medicine, Sinai Health System
Classification: Likely pathogenic for Familial cancer of breast; Breast-ovarian cancer, familial, susceptibility to, 1; Fanconi anemia, complementation group S. Review status: criteria provided, single submitter. Criteria: ACMG Guidelines, 2015. Collection method: clinical testing. Allele origin: germline. Affected: no. Not counted in ClinVar's aggregate classification.

King Laboratory, University of Washington
Classification: Pathogenic for Hereditary breast and ovarian cancer syndrome; Breast-ovarian cancer, familial 1. Last evaluated: 2019-09-01. Review status: no assertion criteria provided. Collection method: research. Allele origin: germline. Affected: yes. Not counted in ClinVar's aggregate classification.
Comment: Transcript analysis by cBROCA

Sharing Clinical Reports Project (SCRP)
Classification: Likely pathogenic for Breast-ovarian cancer, familial 1. Last evaluated: 2014-02-11. Review status: no assertion criteria provided. Collection method: clinical testing. Allele origin: germline. Not counted in ClinVar's aggregate classification.

Breast Cancer Information Core (BIC) (BRCA1)
Classification: Uncertain significance for Breast-ovarian cancer, familial 1. Last evaluated: 2002-05-29. Review status: no assertion criteria provided. Collection method: clinical testing. Allele origin: germline. Affected: yes. Observed: 5 variant alleles. Not counted in ClinVar's aggregate classification.

Literature cited by the submitters: PubMed 10923033 (cited by Labcorp Genetics (formerly Invitae), Labcorp); PubMed 17924331 (cited by 3 submitters); PubMed 23278966 (cited by 3 submitters); PubMed 25682074 (cited by Labcorp Genetics (formerly Invitae), Labcorp and Women's Health and Genetics/Laboratory Corporation of America, LabCorp); PubMed 21394826 (cited by 3 submitters); PubMed 21673748 (cited by 3 submitters); PubMed 15285897 (cited by Ambry Genetics); PubMed 19339519 (cited by Ambry Genetics); PubMed 21990134 (cited by Ambry Genetics and Women's Health and Genetics/Laboratory Corporation of America, LabCorp); PubMed 30078507 (cited by Ambry Genetics); PubMed 19367322 (cited by Women's Health and Genetics/Laboratory Corporation of America, LabCorp); PubMed 21702907 (cited by Women's Health and Genetics/Laboratory Corporation of America, LabCorp); PubMed 16267036 (cited by Women's Health and Genetics/Laboratory Corporation of America, LabCorp); PubMed 26727311 (cited by Women's Health and Genetics/Laboratory Corporation of America, LabCorp); PubMed 21523855 (cited by Women's Health and Genetics/Laboratory Corporation of America, LabCorp); PubMed 31843900 (cited by King Laboratory, University of Washington).